The following is an entry in ClinVar:

ClinVar aggregate classification (germline): Likely pathogenic. Review status: criteria provided, multiple submitters, no conflicts (2 of 4 stars). 6 submissions from 6 submitters: Likely pathogenic (5). 1 of the submissions does not count toward it. Last evaluated 2024-01-16.

Conditions:
BBS1-related disorder. Also called: BBS1-related condition.
Bardet-Biedl syndrome (BBS). Identifiers: Orphanet 110, MedGen C0752166, MONDO:0015229.
Bardet-Biedl syndrome 1 (BBS1). Identifiers: MedGen C2936862, MONDO:0008854, OMIM 209900. Disease mechanism: loss of function.

Allele frequency attached by ClinVar (database versions not stated): TOPMed 0.00002; gnomAD 0.00001; gnomAD exomes 0.00001.
gnomAD v4.1: 6 of 1,610,984 alleles (0.00037%); highest among the groups gnomAD compares: African/African-American, 0.004%; no homozygotes.

Submissions (6):

Baylor Genetics
Classification: Likely pathogenic for Bardet-Biedl syndrome 1. Last evaluated: 2024-01-16. Review status: criteria provided, single submitter. Criteria: ACMG Guidelines, 2015. Collection method: clinical testing. Allele origin: unknown.

Fulgent Genetics
Classification: Likely pathogenic for Bardet-Biedl syndrome 1. Last evaluated: 2023-12-27. Review status: criteria provided, single submitter. Criteria: ACMG Guidelines, 2015. Collection method: clinical testing. Allele origin: germline.

Laboratorio de Genetica e Diagnostico Molecular, Hospital Israelita Albert Einstein
Classification: Likely pathogenic for Bardet-Biedl syndrome 1. Last evaluated: 2023-12-10. Review status: criteria provided, single submitter. Criteria: ACMG Guidelines, 2015. Collection method: clinical testing. Allele origin: germline. Affected: yes.
Comment: ACMG classification criteria: PVS1 very strong, PM2 moderate

Labcorp Genetics (formerly Invitae), Labcorp
Classification: Likely pathogenic for Bardet-Biedl syndrome. Last evaluated: 2023-01-29. Review status: criteria provided, single submitter. Criteria: Invitae Variant Classification Sherloc (09022015). Collection method: clinical testing. Allele origin: germline.
Comment: In summary, the currently available evidence indicates that the variant is pathogenic, but additional data are needed to prove that conclusively. Therefore, this variant has been classified as Likely Pathogenic. Algorithms developed to predict the effect of sequence changes on RNA splicing suggest that this variant may disrupt the consensus splice site. ClinVar contains an entry for this variant (Variation ID: 370653). This variant has not been reported in the literature in individuals affected with BBS1-related conditions. This variant is not present in population databases (gnomAD no frequency). This sequence change affects an acceptor splice site in intron 10 of the BBS1 gene. It is expected to disrupt RNA splicing. Variants that disrupt the donor or acceptor splice site typically lead to a loss of protein function (PMID: 16199547), and loss-of-function variants in BBS1 are known to be pathogenic (PMID: 12118255, 21520335, 27032803).

Blueprint Genetics
Classification: Likely pathogenic for BBS1-related disorders. Last evaluated: 2019-11-12. Review status: criteria provided, single submitter. Criteria: ACMG Guidelines, 2015. Collection method: clinical testing. Allele origin: germline. Affected: yes. Observed: 1 variant allele.

Counsyl
Classification: Likely pathogenic for Bardet-Biedl syndrome 1. Last evaluated: 2016-03-15. Review status: no assertion criteria provided. Collection method: clinical testing. Allele origin: unknown. Not counted in ClinVar's aggregate classification.

Literature cited by the submitters: PubMed 16199547 (cited by Labcorp Genetics (formerly Invitae), Labcorp); PubMed 12118255 (cited by Labcorp Genetics (formerly Invitae), Labcorp); PubMed 21520335 (cited by Labcorp Genetics (formerly Invitae), Labcorp); PubMed 27032803 (cited by Labcorp Genetics (formerly Invitae), Labcorp).

NM_024649.5(BBS1):c.952-1G>A

Genes: BBS1 (Bardet-Biedl syndrome 1; plus strand), ZDHHC24 (zDHHC palmitoyltransferase 24; minus strand). Cytogenetic location: 11q13.2.
Variant type: single nucleotide variant.
Coding change: c.952-1G>A on transcript NM_024649.5 (MANE Select); the canonical splice acceptor site of the intron before coding-DNA position 952, G replaced by A.
Molecular consequence: splice acceptor variant. On other transcripts: intron variant (1).
Genome position (GRCh38, 1-based): chr11:66,523,723, G>A. VCF-style: chr11-66523723-G-A. GRCh37 (hg19) VCF-style: chr11-66291194-G-A.
Other names: c.*22-2257C>T (NM_001348571.2).
Identifiers: ClinVar variation 370653 (VCV000370653.12), dbSNP rs1057516661, ClinGen allele CA16041528.